The following is an entry in ClinVar:

NM_020821.3(VPS13C):c.5462dup (p.Leu1821fs)

Gene: VPS13C (vacuolar protein sorting 13 homolog C; minus strand). Cytogenetic location: 15q22.2.
Variant type: Duplication.
Coding change: c.5462dup on transcript NM_020821.3 (MANE Select); coding-DNA position 5462, one base duplicated (T; older notation c.5462dupT).
Protein change: p.Leu1821fs; shifts the reading frame from leucine 1821.
Molecular consequence: frameshift variant.
Genome position (GRCh38, 1-based): chr15:61,940,786, A duplicated on the plus strand (T on the coding strand, the reverse complement: VPS13C is on the minus strand); the first of 4 consecutive A bases (chr15:61,940,786-61,940,789); duplicating any one gives the same sequence. VCF-style (leftmost placement, unchanged base first): chr15-61940785-C-CA. GRCh37 (hg19) VCF-style: chr15-62232984-C-CA.
Other names: c.5462dup, p.Leu1821fs (NM_001018088.3); c.5333dup, p.Leu1778fs (NM_017684.5, NM_018080.4); short protein forms L1778fs, L1821fs.
Identifiers: ClinVar variation 4781883 (VCV004781883.1).

ClinVar aggregate classification (germline): Pathogenic (1 of 4 stars; one submission).

Submission:

Labcorp Genetics (formerly Invitae), Labcorp
Classification: Pathogenic. Last evaluated: 2025-06-05. Review status: criteria provided, single submitter. Criteria: Invitae Variant Classification Sherloc (09022015). Collection method: clinical testing. Allele origin: germline.
Comment: This sequence change creates a premature translational stop signal (p.Leu1821Phefs*4) in the VPS13C gene. It is expected to result in an absent or disrupted protein product. Loss-of-function variants in VPS13C are known to be pathogenic (PMID: 26942284, 34875562). This variant is not present in population databases (gnomAD no frequency). This variant has not been reported in the literature in individuals affected with VPS13C-related conditions. For these reasons, this variant has been classified as Pathogenic.

Literature cited by the submitters: PubMed 26942284; PubMed 34875562.